The following is an entry in ClinVar:

ClinVar aggregate classification (germline): Uncertain significance (1 of 4 stars; one submission).

gnomAD v4.1: 15 of 1,612,726 alleles (0.00093%); highest among the groups gnomAD compares: East Asian, 0.0089%; no homozygotes.

Submission:

Labcorp Genetics (formerly Invitae), Labcorp
Classification: Uncertain significance. Last evaluated: 2024-03-19. Review status: criteria provided, single submitter. Criteria: Invitae Variant Classification Sherloc (09022015). Collection method: clinical testing. Allele origin: germline.
Comment: This sequence change replaces arginine, which is basic and polar, with tryptophan, which is neutral and slightly polar, at codon 799 of the AHDC1 protein (p.Arg799Trp). This variant is present in population databases (rs746453956, gnomAD 0.007%). This variant has not been reported in the literature in individuals affected with AHDC1-related conditions. An algorithm developed to predict the effect of missense changes on protein structure and function (PolyPhen-2) suggests that this variant is likely to be disruptive. In summary, the available evidence is currently insufficient to determine the role of this variant in disease. Therefore, it has been classified as a Variant of Uncertain Significance.

NM_001371928.1(AHDC1):c.2395C>T (p.Arg799Trp)

Gene: AHDC1 (AT-hook DNA binding motif containing 1; minus strand). Cytogenetic location: 1p36.11.
Variant type: single nucleotide variant.
Coding change: c.2395C>T on transcript NM_001371928.1 (MANE Select); coding-DNA position 2395, C replaced by T.
Protein change: p.Arg799Trp; replaces arginine 799 with tryptophan.
Molecular consequence: missense variant.
Genome position (GRCh38, 1-based): chr1:27,549,721, G>A on the plus strand (C>T on the coding strand, the complement: AHDC1 is on the minus strand). VCF-style: chr1-27549721-G-A. GRCh37 (hg19) VCF-style: chr1-27876232-G-A.
Other names: c.2395C>T, p.Arg799Trp (NM_001029882.3); short protein forms R799W.
Identifiers: ClinVar variation 2804014 (VCV002804014.3), dbSNP rs746453956, ClinGen allele CA715771.